The following is an entry in ClinVar:

ClinVar aggregate classification (germline): Likely pathogenic. Review status: criteria provided, multiple submitters, no conflicts (2 of 4 stars). 2 submissions from 2 submitters: Likely pathogenic (2). Last evaluated 2023-08-01.

Conditions:
Baller-Gerold syndrome (BGS). Also called: CRANIOSYNOSTOSIS WITH RADIAL DEFECTS. Identifiers: Orphanet 1225, MedGen C0265308, MONDO:0009039, OMIM 218600.

Allele frequency attached by ClinVar (database versions not stated): gnomAD exomes below 0.00001 and 0.00001.

Submissions (2):

CeGaT Center for Human Genetics Tuebingen
Classification: Likely pathogenic. Last evaluated: 2023-08-01. Review status: criteria provided, single submitter. Criteria: CeGaT Center For Human Genetics Tuebingen Variant Classification Criteria Version 2. Collection method: clinical testing. Allele origin: germline. Affected: yes. Observed: 1 variant allele.
Comment: RECQL4: PVS1

Labcorp Genetics (formerly Invitae), Labcorp
Classification: Likely pathogenic for Baller-Gerold syndrome. Last evaluated: 2023-04-25. Review status: criteria provided, single submitter. Criteria: Invitae Variant Classification Sherloc (09022015). Collection method: clinical testing. Allele origin: germline.
Comment: In summary, the currently available evidence indicates that the variant is pathogenic, but additional data are needed to prove that conclusively. Therefore, this variant has been classified as Likely Pathogenic. This sequence change affects an acceptor splice site in intron 10 of the RECQL4 gene. It is expected to disrupt RNA splicing. Variants that disrupt the donor or acceptor splice site typically lead to a loss of protein function (PMID: 16199547), and loss-of-function variants in RECQL4 are known to be pathogenic (PMID: 12734318, 12952869). This variant is present in population databases (rs569948031, gnomAD 0.0009%). Disruption of this splice site has been observed in individual(s) with atypical Rothmund-Thomson syndrome (PMID: 17372760). This variant is also known as IVS10-1G>A. ClinVar contains an entry for this variant (Variation ID: 1067047). Algorithms developed to predict the effect of sequence changes on RNA splicing suggest that this variant may disrupt the consensus splice site.

Literature cited by the submitters: PubMed 16199547 (cited by Labcorp Genetics (formerly Invitae), Labcorp); PubMed 12734318 (cited by Labcorp Genetics (formerly Invitae), Labcorp); PubMed 12952869 (cited by Labcorp Genetics (formerly Invitae), Labcorp); PubMed 17372760 (cited by Labcorp Genetics (formerly Invitae), Labcorp).

NM_004260.4(RECQL4):c.1705-1G>A

Gene: RECQL4 (RecQ like helicase 4; minus strand). Cytogenetic location: 8q24.3.
Variant type: single nucleotide variant.
Coding change: c.1705-1G>A on transcript NM_004260.4 (MANE Select); the canonical splice acceptor site of the intron before coding-DNA position 1705, G replaced by A.
Molecular consequence: splice acceptor variant. On other transcripts: intron variant (3).
Genome position (GRCh38, 1-based): chr8:144,514,363, C>T on the plus strand (G>A on the coding strand, the complement: RECQL4 is on the minus strand). VCF-style: chr8-144514363-C-T. GRCh37 (hg19) VCF-style: chr8-145739747-C-T.
Other names: c.568-1G>A (NM_001413041.1, NM_001413030.1, NM_001413032.1 and 1 more transcripts); c.604-1G>A (NM_001413042.1); c.633+79G>A (NM_001413037.1); c.634-1G>A (NM_001413038.1, NM_001413022.1, NM_001413023.1 and 6 more transcripts); c.1675-1G>A (NM_001413039.1); c.1704+79G>A (NM_001413033.1); c.1705-1G>A (NM_001413018.1, NM_001413036.1, NM_001413019.1); c.238-1G>A (NM_001413043.1); and 4 more.
Identifiers: ClinVar variation 1067047 (VCV001067047.29), dbSNP rs569948031, ClinGen allele CA187685295.